The following is an entry in ClinVar:

NM_001142966.3(GREB1L):c.4132_4133del (p.Ser1378fs)

Gene: GREB1L (GREB1 like retinoic acid receptor coactivator; plus strand). Cytogenetic location: 18q11.2.
Variant type: Microsatellite.
Coding change: c.4132_4133del on transcript NM_001142966.3 (MANE Select); coding-DNA positions 4132 to 4133, 2 bases deleted (AG; older notation c.4132_4133delAG).
Protein change: p.Ser1378fs; shifts the reading frame from serine 1378.
Molecular consequence: frameshift variant.
Genome position (GRCh38, 1-based): chr18:21,505,471-21,505,472, AG deleted; deleting any 2 consecutive bases within chr18:21,505,468-21,505,472 gives the same sequence; the c. name uses the placement nearest the transcript's 3' end. VCF-style (leftmost placement, unchanged base first): chr18-21505467-CGA-C. GRCh37 (hg19) VCF-style: chr18-19085428-CGA-C.
Other names: c.4261_4262del, p.Ser1421fs (NM_001410867.1); c.3805_3806del, p.Ser1269fs (NM_001410868.1); short protein forms S1269fs, S1378fs, S1421fs.
Identifiers: ClinVar variation 4850729 (VCV004850729.1).

ClinVar aggregate classification (germline): Pathogenic (1 of 4 stars; one submission).

Conditions:
Renal hypodysplasia/aplasia 3 (RHDA3). Identifiers: MedGen C4540497, MONDO:0024520, OMIM 617805.

Submission:

Variantyx, Inc.
Classification: Pathogenic for Renal hypodysplasia/aplasia 3. Last evaluated: 2025-08-31. Review status: criteria provided, single submitter. Criteria: Variantyx Assertion Criteria 2022. Collection method: clinical testing. Allele origin: de novo. Inheritance: Autosomal dominant inheritance. Affected: yes.
Comment: This is a de novo, frameshift variant in the GREB1L gene (OMIM: 617782). Pathogenic variants in this gene have been associated with autosomal dominant renal hypodysplasia/aplasia 3. This variant introduces a premature termination codon in exon 24 out of 33 and is expected to result in loss of function, which is a known disease mechanism for GREB1L in this disorder (PMID: 29100090, 29100091) (PVS1). This variant is absent from control populations (PM2). and it has not been previously reported in individuals with GREB1L-related disorders in the databases available for review. Based on the current evidence, this variant is classified as pathogenic for autosomal dominant renal hypodysplasia/aplasia 3.

Literature cited by the submitters: PubMed 29100090; PubMed 29100091.